The following is an entry in ClinVar:

NC_000010.10:g.(?_81915609)_(81932617_?)del

Gene: ANXA11 (annexin A11; minus strand). Cytogenetic location: 10q22.3.
Variant type: Deletion.
Identifiers: ClinVar variation 2423889 (VCV002423889.4).

ClinVar aggregate classification (germline): Uncertain significance (1 of 4 stars; one submission).

Submission:

Labcorp Genetics (formerly Invitae), Labcorp
Classification: Uncertain significance. Last evaluated: 2022-06-27. Review status: criteria provided, single submitter. Criteria: Invitae Variant Classification Sherloc (09022015). Collection method: clinical testing. Allele origin: germline.
Comment: This variant has not been reported in the literature in individuals affected with ANXA11-related conditions. A gross deletion of the genomic region encompassing the full coding sequence of the ANXA11 gene has been identified. The current clinical and genetic evidence is not sufficient to establish whether loss-of-function variants in ANXA11 cause disease. The boundaries of this event are unknown as they extend beyond the assayed region for this gene and therefore may encompass additional genes. In summary, the available evidence is currently insufficient to determine the role of this variant in disease. Therefore, it has been classified as a Variant of Uncertain Significance.